The following is an entry in ClinVar:

ClinVar aggregate classification (germline): Uncertain significance. Review status: criteria provided, multiple submitters, no conflicts (2 of 4 stars). 5 submissions from 5 submitters: Uncertain significance (5). Last evaluated 2024-09-24.

Conditions:
Inborn genetic diseases. Identifiers: MedGen C0950123, MeSH D030342.
Spastic paraplegia. Identifiers: MedGen C0037772, HP:0001258.

Allele frequency attached by ClinVar (database versions not stated): ExAC 0.00005; TOPMed 0.00006; gnomAD exomes 0.00007 and 0.00013; ESP Exome Variant Server 0.00008; gnomAD 0.00008 and 0.00009.

Submissions (5):

Ambry Genetics
Classification: Uncertain significance for Inborn genetic diseases. Last evaluated: 2024-09-24. Review status: criteria provided, single submitter. Criteria: Ambry Variant Classification Scheme 2023. Collection method: clinical testing. Allele origin: germline.

Blueprint Genetics
Classification: Uncertain significance. Last evaluated: 2024-07-23. Review status: criteria provided, single submitter. Criteria: ACMG Guidelines, 2015. Collection method: clinical testing. Allele origin: germline.

CeGaT Center for Human Genetics Tuebingen
Classification: Uncertain significance. Last evaluated: 2023-12-01. Review status: criteria provided, single submitter. Criteria: CeGaT Center For Human Genetics Tuebingen Variant Classification Criteria Version 2. Collection method: clinical testing. Allele origin: germline. Affected: yes. Observed: 1 variant allele.

Mayo Clinic Laboratories, Mayo Clinic
Classification: Uncertain significance. Last evaluated: 2023-09-07. Review status: criteria provided, single submitter. Criteria: ACMG Guidelines, 2015. Collection method: clinical testing. Allele origin: germline. Observed: 1 variant allele.
Comment: BP4, PM2_moderate

Labcorp Genetics (formerly Invitae), Labcorp
Classification: Uncertain significance for Spastic paraplegia. Last evaluated: 2022-03-30. Review status: criteria provided, single submitter. Criteria: Invitae Variant Classification Sherloc (09022015). Collection method: clinical testing. Allele origin: germline.
Comment: This sequence change replaces leucine, which is neutral and non-polar, with isoleucine, which is neutral and non-polar, at codon 244 of the ZFYVE26 protein (p.Leu244Ile). This variant is present in population databases (rs148790248, gnomAD 0.01%). This variant has not been reported in the literature in individuals affected with ZFYVE26-related conditions. ClinVar contains an entry for this variant (Variation ID: 458295). Algorithms developed to predict the effect of missense changes on protein structure and function are either unavailable or do not agree on the potential impact of this missense change (SIFT: "Tolerated"; PolyPhen-2: "Possibly Damaging"; Align-GVGD: "Class C0"). In summary, the available evidence is currently insufficient to determine the role of this variant in disease. Therefore, it has been classified as a Variant of Uncertain Significance.

NM_015346.4(ZFYVE26):c.730C>A (p.Leu244Ile)

Gene: ZFYVE26 (zinc finger FYVE-type containing 26; minus strand). Cytogenetic location: 14q24.1.
Variant type: single nucleotide variant.
Coding change: c.730C>A on transcript NM_015346.4 (MANE Select); coding-DNA position 730, C replaced by A.
Protein change: p.Leu244Ile; replaces leucine 244 with isoleucine.
Molecular consequence: missense variant.
Genome position (GRCh38, 1-based): chr14:67,807,554, G>T on the plus strand (C>A on the coding strand, the complement: ZFYVE26 is on the minus strand). VCF-style: chr14-67807554-G-T. GRCh37 (hg19) VCF-style: chr14-68274271-G-T.
Other names: p.Leu244Ile; short protein forms L244I.
Identifiers: ClinVar variation 458295 (VCV000458295.27), dbSNP rs148790248, ClinGen allele CA7240716.